The following is an entry in ClinVar:

NM_052947.4(ALPK2):c.1676A>C (p.Glu559Ala)

Gene: ALPK2 (alpha kinase 2; minus strand). Cytogenetic location: 18q21.31.
Variant type: single nucleotide variant.
Coding change: c.1676A>C on transcript NM_052947.4 (MANE Select); coding-DNA position 1676, A replaced by C.
Protein change: p.Glu559Ala; replaces glutamic acid 559 with alanine.
Molecular consequence: missense variant.
Genome position (GRCh38, 1-based): chr18:58,579,100, T>G on the plus strand (A>C on the coding strand, the complement: ALPK2 is on the minus strand). VCF-style: chr18-58579100-T-G. GRCh37 (hg19) VCF-style: chr18-56246332-T-G.
Other names: short protein forms E559A.
Identifiers: ClinVar variation 1777789 (VCV001777789.3), dbSNP rs2051939670, ClinGen allele CA402560947.

ClinVar aggregate classification (germline): Uncertain significance (1 of 4 stars; one submission).

Submission:

Ambry Genetics
Classification: Uncertain significance. Last evaluated: 2024-06-18. Review status: criteria provided, single submitter. Criteria: Ambry Variant Classification Scheme 2023. Collection method: clinical testing. Allele origin: germline.
Comment: The p.E559A variant (also known as c.1676A>C), located in coding exon 3 of the ALPK2 gene, results from an A to C substitution at nucleotide position 1676. The glutamic acid at codon 559 is replaced by alanine, an amino acid with dissimilar properties. This amino acid position is conserved. In addition, this alteration is predicted to be tolerated by in silico analysis. Since supporting evidence is limited at this time, the clinical significance of this alteration remains unclear.